The following is an entry in ClinVar:

NM_032656.4(DHX37):c.1647T>G (p.Asp549Glu)

Gene: DHX37 (DEAH-box helicase 37; minus strand). Cytogenetic location: 12q24.31.
Variant type: single nucleotide variant.
Coding change: c.1647T>G on transcript NM_032656.4 (MANE Select); coding-DNA position 1647, T replaced by G.
Protein change: p.Asp549Glu; replaces aspartic acid 549 with glutamic acid.
Molecular consequence: missense variant.
Genome position (GRCh38, 1-based): chr12:124,965,756, A>C on the plus strand (T>G on the coding strand, the complement: DHX37 is on the minus strand). VCF-style: chr12-124965756-A-C. GRCh37 (hg19) VCF-style: chr12-125450302-A-C.
Other names: short protein forms D549E.
Identifiers: ClinVar variation 4774211 (VCV004774211.1).

ClinVar aggregate classification (germline): Uncertain significance (1 of 4 stars; one submission).

gnomAD v4.1: 3 of 1,613,710 alleles (0.00019%); highest among the groups gnomAD compares: Non-Finnish European, 0.00025%; no homozygotes.

Submission:

Labcorp Genetics (formerly Invitae), Labcorp
Classification: Uncertain significance. Last evaluated: 2025-05-28. Review status: criteria provided, single submitter. Criteria: Invitae Variant Classification Sherloc (09022015). Collection method: clinical testing. Allele origin: germline.
Comment: This sequence change replaces aspartic acid, which is acidic and polar, with glutamic acid, which is acidic and polar, at codon 549 of the DHX37 protein (p.Asp549Glu). This variant is not present in population databases (gnomAD no frequency). This variant has not been reported in the literature in individuals affected with DHX37-related conditions. Invitae Evidence Modeling of protein sequence and biophysical properties (such as structural, functional, and spatial information, amino acid conservation, physicochemical variation, residue mobility, and thermodynamic stability) indicates that this missense variant is not expected to disrupt DHX37 protein function with a negative predictive value of 80%. In summary, the available evidence is currently insufficient to determine the role of this variant in disease. Therefore, it has been classified as a Variant of Uncertain Significance.